The following is an entry in ClinVar:

ClinVar aggregate classification (germline): Uncertain significance. Review status: criteria provided, multiple submitters, no conflicts (2 of 4 stars). 2 submissions from 2 submitters: Uncertain significance (2). Last evaluated 2026-09-08.

Conditions:
PTPRJ-related disorder. Also called: PTPRJ-related condition.

gnomAD v4.1: 9 of 1,613,790 alleles (0.00056%); highest among the groups gnomAD compares: Non-Finnish European, 0.00068%; no homozygotes.

Submissions (2):

PreventionGenetics, part of Exact Sciences
Classification: Uncertain significance for PTPRJ-related condition. Last evaluated: 2026-09-08. Review status: criteria provided, single submitter. Criteria: ACMG Guidelines, 2015. Collection method: clinical testing. Allele origin: germline.
Comment: The PTPRJ c.3619G>A variant is predicted to result in the amino acid substitution p.Gly1207Ser. To our knowledge, this variant has not been reported in the literature. This variant is reported in 0.00088% of alleles in individuals of European (Non-Finnish) descent in gnomAD. At this time, the clinical significance of this variant is uncertain due to the absence of conclusive functional and genetic evidence.

Ambry Genetics
Classification: Uncertain significance. Last evaluated: 2024-05-10. Review status: criteria provided, single submitter. Criteria: Ambry Variant Classification Scheme 2023. Collection method: clinical testing. Allele origin: germline.

NM_002843.4(PTPRJ):c.3619G>A (p.Gly1207Ser)

Gene: PTPRJ (protein tyrosine phosphatase receptor type J; plus strand). Cytogenetic location: 11p11.2.
Variant type: single nucleotide variant.
Coding change: c.3619G>A on transcript NM_002843.4 (MANE Select); coding-DNA position 3619, G replaced by A.
Protein change: p.Gly1207Ser; replaces glycine 1207 with serine.
Molecular consequence: missense variant.
Genome position (GRCh38, 1-based): chr11:48,163,518, G>A. VCF-style: chr11-48163518-G-A. GRCh37 (hg19) VCF-style: chr11-48185070-G-A.
Other names: short protein forms G1207S.
Identifiers: ClinVar variation 3311586 (VCV003311586.2).